The following is an entry in ClinVar:

ClinVar aggregate classification (germline): Uncertain significance. Review status: criteria provided, multiple submitters, no conflicts (2 of 4 stars). 2 submissions from 2 submitters: Uncertain significance (2). Last evaluated 2025-12-13.

Conditions:
Inborn genetic diseases. Identifiers: MedGen C0950123, MeSH D030342.
Charcot-Marie-Tooth disease type 2. Also called: Charcot-Marie-Tooth type 2. Identifiers: Orphanet 64746, MedGen C0270914, MONDO:0018993.

Allele frequency attached by ClinVar (database versions not stated): TOPMed below 0.00001; gnomAD 0.00001.
gnomAD v4.1: 2 of 1,614,048 alleles (0.00012%); highest among the groups gnomAD compares: Admixed American, 0.0033%; no homozygotes.

Submissions (2):

Labcorp Genetics (formerly Invitae), Labcorp
Classification: Uncertain significance for Charcot-Marie-Tooth disease type 2. Last evaluated: 2025-12-13. Review status: criteria provided, single submitter. Criteria: Invitae Variant Classification Sherloc (09022015). Collection method: clinical testing. Allele origin: germline.
Comment: This sequence change replaces arginine, which is basic and polar, with lysine, which is basic and polar, at codon 395 of the AARS protein (p.Arg395Lys). This variant is present in population databases (no rsID available, gnomAD 0.003%). This variant has not been reported in the literature in individuals affected with AARS-related conditions. ClinVar contains an entry for this variant (Variation ID: 2302713). Invitae Evidence Modeling of protein sequence and biophysical properties (such as structural, functional, and spatial information, amino acid conservation, physicochemical variation, residue mobility, and thermodynamic stability) indicates that this missense variant is not expected to disrupt AARS protein function with a negative predictive value of 95%. In summary, the available evidence is currently insufficient to determine the role of this variant in disease. Therefore, it has been classified as a Variant of Uncertain Significance.

Ambry Genetics
Classification: Uncertain significance for Inborn genetic diseases. Last evaluated: 2022-07-20. Review status: criteria provided, single submitter. Criteria: Ambry Variant Classification Scheme 2023. Collection method: clinical testing. Allele origin: germline.

NM_001605.3(AARS1):c.1184G>A (p.Arg395Lys)

Gene: AARS1 (alanyl-tRNA synthetase 1; minus strand). Cytogenetic location: 16q22.1.
Variant type: single nucleotide variant.
Coding change: c.1184G>A on transcript NM_001605.3 (MANE Select); coding-DNA position 1184, G replaced by A.
Protein change: p.Arg395Lys; replaces arginine 395 with lysine.
Molecular consequence: missense variant.
Genome position (GRCh38, 1-based): chr16:70,267,697, C>T on the plus strand (G>A on the coding strand, the complement: AARS1 is on the minus strand). VCF-style: chr16-70267697-C-T. GRCh37 (hg19) VCF-style: chr16-70301600-C-T.
Other names: short protein forms R395K.
Identifiers: ClinVar variation 2302713 (VCV002302713.4), dbSNP rs1454249728, ClinGen allele CA396563430.